The following is an entry in ClinVar:

ClinVar aggregate classification (germline): Uncertain significance (1 of 4 stars; one submission).

Conditions:
Ehlers-Danlos syndrome, musculocontractural type (EDSMC). Also called: Adducted thumb, clubfoot, progressive joint and skin laxity syndrome; DUNDAR SYNDROME; ADDUCTED THUMB-CLUBFOOT SYNDROME; ARTHROGRYPOSIS, DISTAL, WITH PECULIAR FACIES AND HYDRONEPHROSIS. Identifiers: Orphanet 2953, MedGen C1866294, MONDO:0011142.

Allele frequency attached by ClinVar (database versions not stated): gnomAD exomes below 0.00001; TOPMed below 0.00001.
gnomAD v4.1: 2 of 1,602,408 alleles (0.00012%); highest among the groups gnomAD compares: South Asian, 0.0022%; no homozygotes.

Submission:

Labcorp Genetics (formerly Invitae), Labcorp
Classification: Uncertain significance for Ehlers-Danlos syndrome, musculocontractural type. Last evaluated: 2022-08-05. Review status: criteria provided, single submitter. Criteria: Invitae Variant Classification Sherloc (09022015). Collection method: clinical testing. Allele origin: germline.
Comment: This variant is not present in population databases (gnomAD no frequency). In summary, the available evidence is currently insufficient to determine the role of this variant in disease. Therefore, it has been classified as a Variant of Uncertain Significance. Algorithms developed to predict the effect of missense changes on protein structure and function (SIFT, PolyPhen-2, Align-GVGD) all suggest that this variant is likely to be disruptive. ClinVar contains an entry for this variant (Variation ID: 579085). This variant has not been reported in the literature in individuals affected with CHST14-related conditions. This sequence change replaces leucine, which is neutral and non-polar, with valine, which is neutral and non-polar, at codon 361 of the CHST14 protein (p.Leu361Val).

NM_130468.4(CHST14):c.1081C>G (p.Leu361Val)

Gene: CHST14 (carbohydrate sulfotransferase 14; plus strand). Cytogenetic location: 15q15.1.
Variant type: single nucleotide variant.
Coding change: c.1081C>G on transcript NM_130468.4 (MANE Select); coding-DNA position 1081, C replaced by G.
Protein change: p.Leu361Val; replaces leucine 361 with valine.
Molecular consequence: missense variant.
Genome position (GRCh38, 1-based): chr15:40,472,294, C>G. VCF-style: chr15-40472294-C-G. GRCh37 (hg19) VCF-style: chr15-40764493-C-G.
Other names: short protein forms L361V.
Identifiers: ClinVar variation 579085 (VCV000579085.8), dbSNP rs1566969372, ClinGen allele CA391768960.